The following is an entry in ClinVar:

NM_177438.3(DICER1):c.2979A>G (p.Thr993=)

Gene: DICER1 (dicer 1, ribonuclease III; minus strand). Cytogenetic location: 14q32.13.
Variant type: single nucleotide variant.
Coding change: c.2979A>G on transcript NM_177438.3 (MANE Select); coding-DNA position 2979, A replaced by G.
Protein change: p.Thr993=; no amino-acid change (threonine 993 retained).
Molecular consequence: synonymous variant.
Genome position (GRCh38, 1-based): chr14:95,106,049, T>C on the plus strand (A>G on the coding strand, the complement: DICER1 is on the minus strand). VCF-style: chr14-95106049-T-C. GRCh37 (hg19) VCF-style: chr14-95572386-T-C.
Other names: c.2979A>G, p.Thr993= (NM_001195573.1, NM_001271282.3, NM_001291628.2 and 1 more transcripts).
Identifiers: ClinVar variation 766595 (VCV000766595.12), dbSNP rs1324795109, ClinGen allele CA487844583.

ClinVar aggregate classification (germline): Benign/Likely benign. Review status: criteria provided, multiple submitters, no conflicts (2 of 4 stars). 4 submissions from 4 submitters: Benign (1); Likely benign (3). Last evaluated 2026-04-16.

Conditions:
DICER1-related tumor predisposition. Also called: DICER1 syndrome; DICER1-related pleuropulmonary blastoma cancer predisposition syndrome. Identifiers: Orphanet 284343, MedGen C3839822, MONDO:0100216.
Hereditary cancer-predisposing syndrome. Also called: Tumor predisposition; Hereditary Cancer Syndrome; Hereditary neoplastic syndrome; Neoplastic Syndromes, Hereditary. Identifiers: Orphanet 140162, MedGen C0027672, MeSH D009386, MONDO:0015356.

Allele frequency attached by ClinVar (database versions not stated): gnomAD exomes below 0.00001 and 0.00002; TOPMed below 0.00001.
gnomAD v4.1: 6 of 1,614,196 alleles (0.00037%); highest among the groups gnomAD compares: East Asian, 0.011%; no homozygotes.

Submissions (4):

Myriad Genetics, Inc.
Classification: Benign for DICER1-related tumor predisposition. Last evaluated: 2026-04-16. Review status: criteria provided, single submitter. Criteria: Myriad Autosomal Dominant, Autosomal Recessive and X-Linked Classification Criteria (2023). Collection method: clinical testing. Allele origin: unknown.
Comment: This variant is considered benign. This variant is a silent/synonymous amino acid change and it is not expected to impact splicing.

Center for Genomic Medicine, Rigshospitalet, Copenhagen University Hospital
Classification: Likely benign. Last evaluated: 2025-12-29. Review status: criteria provided, single submitter. Criteria: ACMG Guidelines, 2015. Collection method: clinical testing. Allele origin: germline.

Labcorp Genetics (formerly Invitae), Labcorp
Classification: Likely benign for DICER1-related tumor predisposition. Last evaluated: 2025-09-03. Review status: criteria provided, single submitter. Criteria: Invitae Variant Classification Sherloc (09022015). Collection method: clinical testing. Allele origin: germline.

Ambry Genetics
Classification: Likely benign for Hereditary cancer-predisposing syndrome. Last evaluated: 2023-09-07. Review status: criteria provided, single submitter. Criteria: Ambry Variant Classification Scheme 2023. Collection method: clinical testing. Allele origin: germline.